The following is an entry in ClinVar:

ClinVar aggregate classification (germline): Uncertain significance (1 of 4 stars; one submission).

Submission:

Women's Health and Genetics/Laboratory Corporation of America, LabCorp
Classification: Uncertain significance. Last evaluated: 2024-02-13. Review status: criteria provided, single submitter. Criteria: LabCorp Variant Classification Summary - May 2015. Collection method: clinical testing. Allele origin: germline.
Comment: Variant summary: DDC c.286G>T (p.Gly96Trp) results in a non-conservative amino acid change in the encoded protein sequence. Three of five in-silico tools predict a damaging effect of the variant on protein function. The variant was absent in 250822 control chromosomes. The available data on variant occurrences in the general population are insufficient to allow any conclusion about variant significance. To our knowledge, no occurrence of c.286G>T in individuals affected with Deficiency Of Aromatic-L-Amino-Acid Decarboxylase and no experimental evidence demonstrating its impact on protein function have been reported. No submitters have cited clinical-significance assessments for this variant to ClinVar. Based on the evidence outlined above, the variant was classified as uncertain significance.

NM_001082971.2(DDC):c.286G>T (p.Gly96Trp)

Genes: DDC (dopa decarboxylase; minus strand), DDC-AS1 (DDC antisense RNA 1; plus strand). Cytogenetic location: 7p12.1.
Variant type: single nucleotide variant.
Coding change: c.286G>T on transcript NM_001082971.2 (MANE Select); coding-DNA position 286, G replaced by T.
Protein change: p.Gly96Trp; replaces glycine 96 with tryptophan.
Molecular consequence: missense variant. On other transcripts: non-coding transcript variant (1), intron variant (2).
Genome position (GRCh38, 1-based): chr7:50,539,944, C>A on the plus strand (G>T on the coding strand, the complement: DDC is on the minus strand). VCF-style: chr7-50539944-C-A. GRCh37 (hg19) VCF-style: chr7-50607642-C-A.
Other names: c.286G>T, p.Gly96Trp (NM_000790.4, NM_001242887.2, NM_001242889.2 and 1 more transcripts); c.201+3941G>T (NM_001242888.2); c.202-1965G>T (NM_001242886.2); short protein forms G96W.
Identifiers: ClinVar variation 3068905 (VCV003068905.2), dbSNP rs1285477390, ClinGen allele CA367529575.